The following is an entry in ClinVar:

NM_015662.3(IFT172):c.4806C>G (p.Asp1602Glu)

Genes: IFT172 (intraflagellar transport 172; minus strand), KRTCAP3 (keratinocyte associated protein 3; plus strand). Cytogenetic location: 2p23.3.
Variant type: single nucleotide variant.
Coding change: c.4806C>G on transcript NM_015662.3 (MANE Select); coding-DNA position 4806, C replaced by G.
Protein change: p.Asp1602Glu; replaces aspartic acid 1602 with glutamic acid.
Molecular consequence: missense variant. On other transcripts: intron variant (1).
Genome position (GRCh38, 1-based): chr2:27,445,938, G>C on the plus strand (C>G on the coding strand, the complement: IFT172 is on the minus strand). VCF-style: chr2-27445938-G-C. GRCh37 (hg19) VCF-style: chr2-27668805-G-C.
Other names: c.4740C>G, p.Asp1580Glu (NM_001410739.1); c.*6-363G>C (NM_001168364.2); short protein forms D1580E, D1602E.
Identifiers: ClinVar variation 4983907 (VCV004983907.1).
Genomic context (GRCh38, chr2:27,445,938, plus strand): 5'-GCTCGCGACTGGCAAAAACCTCCACCCTCGGGGCACAGCTTCCCTACTCACATCGGTCAG[G>C]TCCAAAAAGCGATTGAGGAAGATGAATGCCATGTTATCCCAGCCAACTGCCTGCAGCAAA-3'
Protein context (NP_056477.1, residues 1592-1612): MAFIFLNRFL[Asp1602Glu]LTDAIEEGTL

ClinVar aggregate classification (germline): Uncertain significance (1 of 4 stars; one submission).

Conditions:
IFT172-related disorder. Also called: IFT172-related condition; IFT172-related disorders.

Submission:

PreventionGenetics, part of Exact Sciences
Classification: Uncertain significance for IFT172-related condition. Last evaluated: 2025-03-13. Review status: criteria provided, single submitter. Criteria: ACMG Guidelines, 2015. Collection method: clinical testing. Allele origin: germline.
Comment: The IFT172 c.4806C>G variant is predicted to result in the amino acid substitution p.Asp1602Glu. To our knowledge, this variant has not been reported in the literature or in a large population database (gnomAD), indicating this variant is rare. At this time, the clinical significance of this variant is uncertain due to the absence of conclusive functional and genetic evidence.